The following is an entry in ClinVar:

ClinVar aggregate classification (germline): Uncertain significance. Review status: criteria provided, multiple submitters, no conflicts (2 of 4 stars). 5 submissions from 5 submitters: Uncertain significance (4). 1 of the submissions does not count toward it. Last evaluated 2025-07-30.

Conditions:
Hereditary cancer-predisposing syndrome. Also called: Tumor predisposition; Hereditary neoplastic syndrome; Neoplastic Syndromes, Hereditary; Hereditary Cancer Syndrome. Identifiers: Orphanet 140162, MedGen C0027672, MeSH D009386, MONDO:0015356.
Bloom syndrome (BLM). Also called: Bloom-Torre-Machacek syndrome. Identifiers: Orphanet 125, MedGen C0005859, MONDO:0008876, OMIM 210900.

Allele frequency attached by ClinVar (database versions not stated): gnomAD exomes 0.00001.
gnomAD v4.1: 3 of 1,613,998 alleles (0.00019%); highest among the groups gnomAD compares: Admixed American, 0.005%; no homozygotes.

Submissions (5):

Quest Diagnostics Nichols Institute San Juan Capistrano
Classification: Uncertain significance. Last evaluated: 2025-07-30. Review status: criteria provided, single submitter. Criteria: Quest Diagnostics criteria. Collection method: clinical testing. Allele origin: unknown.
Comment: The BLM c.1412C>T (p.Thr471Ile) variant has not been reported in individuals with BLM-related conditions in the published literature. The frequency of this variant in the general population (Genome Aggregation Database) is uninformative in the assessment of its pathogenicity. Analysis of this variant using bioinformatics tools for the prediction of the effect of amino acid changes on protein structure and function yielded predictions that this variant is benign. Based on the available information, we are unable to determine the clinical significance of this variant.

Ambry Genetics
Classification: Uncertain significance for Hereditary cancer-predisposing syndrome. Last evaluated: 2025-04-20. Review status: criteria provided, single submitter. Criteria: Ambry Variant Classification Scheme 2023. Collection method: clinical testing. Allele origin: germline.

Labcorp Genetics (formerly Invitae), Labcorp
Classification: Uncertain significance for Bloom syndrome. Last evaluated: 2024-11-20. Review status: criteria provided, single submitter. Criteria: Invitae Variant Classification Sherloc (09022015). Collection method: clinical testing. Allele origin: germline.
Comment: This sequence change replaces threonine, which is neutral and polar, with isoleucine, which is neutral and non-polar, at codon 471 of the BLM protein (p.Thr471Ile). This variant is present in population databases (no rsID available, gnomAD 0.006%). This variant has not been reported in the literature in individuals affected with BLM-related conditions. ClinVar contains an entry for this variant (Variation ID: 819161). Invitae Evidence Modeling of protein sequence and biophysical properties (such as structural, functional, and spatial information, amino acid conservation, physicochemical variation, residue mobility, and thermodynamic stability) indicates that this missense variant is not expected to disrupt BLM protein function with a negative predictive value of 80%. In summary, the available evidence is currently insufficient to determine the role of this variant in disease. Therefore, it has been classified as a Variant of Uncertain Significance.

Sema4
Classification: Uncertain significance for Hereditary cancer-predisposing syndrome. Last evaluated: 2021-12-26. Review status: criteria provided, single submitter. Criteria: Sema4 Curation Guidelines. Collection method: curation. Allele origin: germline.
Comment: The BLM c.1412C>T (p.T471I) variant has not been reported in the literature to our knowledge. It was observed in 2/34576 chromosomes in the Latino subpopulation in the large and broad cohorts of the Genome Aggregation Database (PMID: 32461654). This variant has been reported in ClinVar (Variation ID: 819161). In silico tools suggest the impact of the variant on protein function is benign, though these predictions have not been confirmed by functional studies. The evidence is insufficient to meet ACMG/AMP criteria for classifying the variant as benign or pathogenic. Thus, the clinical significance of this variant is currently uncertain.

Natera, Inc.
Classification: Uncertain significance for Bloom syndrome. Last evaluated: 2021-02-18. Review status: no assertion criteria provided. Collection method: clinical testing. Allele origin: germline. Not counted in ClinVar's aggregate classification.

NM_000057.4(BLM):c.1412C>T (p.Thr471Ile)

Gene: BLM (BLM RecQ like helicase; plus strand). Cytogenetic location: 15q26.1.
Variant type: single nucleotide variant.
Coding change: c.1412C>T on transcript NM_000057.4 (MANE Select); coding-DNA position 1412, C replaced by T.
Protein change: p.Thr471Ile; replaces threonine 471 with isoleucine.
Molecular consequence: missense variant.
Genome position (GRCh38, 1-based): chr15:90,760,785, C>T. VCF-style: chr15-90760785-C-T. GRCh37 (hg19) VCF-style: chr15-91304015-C-T.
Other names: c.1412C>T, p.Thr471Ile (NM_001287246.2, NM_001287247.2); c.287C>T, p.Thr96Ile (NM_001287248.2); c.1412C>T (NM_000057.3); short protein forms T96I, T471I.
Identifiers: ClinVar variation 819161 (VCV000819161.18), dbSNP rs1281556342, ClinGen allele CA393843007.